The following is an entry in ClinVar:

ClinVar aggregate classification (germline): Benign (1 of 4 stars; one submission).

Conditions:
Nephronophthisis-like nephropathy 1 (NPHPL1). Identifiers: Orphanet 655, MedGen C3150419, MONDO:0013163, OMIM 613159.

Allele frequency attached by ClinVar (database versions not stated): gnomAD 0.00674 and 0.00707; TOPMed 0.00715; 1000 Genomes Project 0.00839; 1000 Genomes Project 30x 0.00843.

Submission:

Illumina Laboratory Services, Illumina
Classification: Benign for Nephronophthisis-like nephropathy 1. Last evaluated: 2018-01-13. Review status: criteria provided, single submitter. Criteria: ICSL Variant Classification Criteria 13 December 2019. Collection method: clinical testing. Allele origin: germline.
Comment: This variant was observed in the ICSL laboratory as part of a predisposition screen in an ostensibly healthy population. It had not been previously curated by ICSL or reported in the Human Gene Mutation Database (HGMD: prior to June 1st, 2018), and was therefore a candidate for classification through an automated scoring system. Utilizing variant allele frequency, disease prevalence and penetrance estimates, and inheritance mode, an automated score was calculated to assess if this variant is too frequent to cause the disease. Based on the score and internal cut-off values, a variant classified as benign is not then subjected to further curation. The score for this variant resulted in a classification of benign for this disease.

NM_022098.4(XPNPEP3):c.*877A>G

Gene: XPNPEP3 (X-prolyl aminopeptidase 3; plus strand). Cytogenetic location: 22q13.2.
Variant type: single nucleotide variant.
Coding change: c.*877A>G on transcript NM_022098.4 (MANE Select); 877 bases downstream of the stop codon, A replaced by G.
Molecular consequence: 3 prime UTR variant.
Genome position (GRCh38, 1-based): chr22:40,927,312, A>G. VCF-style: chr22-40927312-A-G. GRCh37 (hg19) VCF-style: chr22-41323316-A-G.
Identifiers: ClinVar variation 341688 (VCV000341688.5), dbSNP rs5995966, ClinGen allele CA10651323.